The following is an entry in ClinVar:

ClinVar aggregate classification (germline): Uncertain significance (1 of 4 stars; one submission).

Conditions:
Primary ciliary dyskinesia. Also called: Ciliary dyskinesia. Identifiers: Orphanet 244, MedGen C0008780, MONDO:0016575, HP:0012265.

Allele frequency attached by ClinVar (database versions not stated): gnomAD exomes 0.00001; TOPMed 0.00002.
gnomAD v4.1: 13 of 1,614,084 alleles (0.00081%); highest among the groups gnomAD compares: Non-Finnish European, 0.001%; no homozygotes.

Submission:

Ambry Genetics
Classification: Uncertain significance for Primary ciliary dyskinesia. Last evaluated: 2014-08-28. Review status: criteria provided, single submitter. Criteria: Ambry Variant Classification Scheme 2023. Collection method: clinical testing. Allele origin: germline.
Comment: The p.K273R variant (also known as c.818A>G), located in coding exon 6 of the DNAAF1 gene, results from an A to G substitution at nucleotide position 818. The lysine at codon 273 is replaced by arginine, an amino acid with highly similar properties. This variant was not reported in population based cohorts in the following databases: Database of Single Nucleotide Polymorphisms (dbSNP), NHLBI Exome Sequencing Project (ESP), and 1000 Genomes Project. In the ESP, this variant was not observed in 6500 samples (13000 alleles) with coverage at this position. This amino acid position is conserved in all available species, except pika and x. tropicalis . In addition, this alteration is predicted to be tolerated by in silico analysis. Since supporting evidence is limited at this time, the clinical significance of this variant remains unclear.

NM_178452.6(DNAAF1):c.818A>G (p.Lys273Arg)

Gene: DNAAF1 (dynein axonemal assembly factor 1; plus strand). Cytogenetic location: 16q24.1.
Variant type: single nucleotide variant.
Coding change: c.818A>G on transcript NM_178452.6 (MANE Select); coding-DNA position 818, A replaced by G.
Protein change: p.Lys273Arg; replaces lysine 273 with arginine.
Molecular consequence: missense variant.
Genome position (GRCh38, 1-based): chr16:84,159,751, A>G. VCF-style: chr16-84159751-A-G. GRCh37 (hg19) VCF-style: chr16-84193356-A-G.
Other names: c.62A>G, p.Lys21Arg (NM_001318756.1); short protein forms K273R, K21R.
Identifiers: ClinVar variation 1762340 (VCV001762340.2), dbSNP rs1023484282, ClinGen allele CA285510420.
Genomic context (GRCh38, chr16:84,159,751, plus strand): 5'-TGGGAAACCCGGTTATCAGACAGATTCCTAATTACAGAAGGACAGTCACTGTACGACTAA[A>G]GCACTTAACATACCTGGATGATAGACCAGTGTTTCCAAAGGACAGGTAAGAAGAGAAAAG-3'
Protein context (NP_848547.4, residues 263-283): NYRRTVTVRL[Lys273Arg]HLTYLDDRPV